The following is an entry in ClinVar:

NM_004006.3(DMD):c.2293-15G>C

Gene: DMD (dystrophin; minus strand). Cytogenetic location: Xp21.1.
Variant type: single nucleotide variant.
Coding change: c.2293-15G>C on transcript NM_004006.3 (MANE Select); 15 bases into the intron before coding-DNA position 2293, G replaced by C.
Molecular consequence: intron variant.
Genome position (GRCh38, 1-based): chrX:32,501,857, C>G on the plus strand (G>C on the coding strand, the complement: DMD is on the minus strand). VCF-style: chrX-32501857-C-G. GRCh37 (hg19) VCF-style: chrX-32519974-C-G.
Other names: c.2269-15G>C (NM_000109.4); c.2281-15G>C (NM_004009.3); c.1924-15G>C (NM_004010.3).
Identifiers: ClinVar variation 94501 (VCV000094501.15), dbSNP rs369384547, ClinGen allele CA222314.

ClinVar aggregate classification (germline): Benign/Likely benign. Review status: criteria provided, multiple submitters, no conflicts (2 of 4 stars). 6 submissions from 6 submitters: Benign (3); Likely benign (2). 1 of the submissions does not count toward it. Last evaluated 2026-01-28.

Conditions:
Becker muscular dystrophy (BMD). Also called: MUSCULAR DYSTROPHY, PSEUDOHYPERTROPHIC PROGRESSIVE, BECKER TYPE; Becker Muscular Dystrophy (BMD). Identifiers: Orphanet 98895, MedGen C0917713, MONDO:0010311, OMIM 300376.
Duchenne muscular dystrophy (DMD). Also called: Duchenne Muscular Dystrophy (DMD); MUSCULAR DYSTROPHY, PSEUDOHYPERTROPHIC PROGRESSIVE, DUCHENNE TYPE. Identifiers: Orphanet 98896, MedGen C0013264, MONDO:0010679, OMIM 310200.
Cardiomyopathy (CMYO). Also called: Cardiomyopathies. Identifiers: Orphanet 167848, MedGen C0878544, MONDO:0004994, HP:0001638. Inheritance: Various modes of inheritance.
Dystrophin deficiency.

Allele frequency attached by ClinVar (database versions not stated): TOPMed 0.00164; 1000 Genomes Project 0.00185; 1000 Genomes Project 30x 0.00187; ESP Exome Variant Server 0.00199; gnomAD exomes 0.00037; gnomAD 0.00143 and 0.00149.

Submissions (6):

Labcorp Genetics (formerly Invitae), Labcorp
Classification: Benign for Duchenne muscular dystrophy. Last evaluated: 2026-01-28. Review status: criteria provided, single submitter. Criteria: Invitae Variant Classification Sherloc (09022015). Collection method: clinical testing. Allele origin: germline.

ARUP Laboratories, Molecular Genetics and Genomics, ARUP Laboratories
Classification: Likely benign. Last evaluated: 2025-04-08. Review status: criteria provided, single submitter. Criteria: ARUP Molecular Germline Variant Investigation Process 2024. Collection method: clinical testing. Allele origin: germline.

Women's Health and Genetics/Laboratory Corporation of America, LabCorp
Classification: Benign. Last evaluated: 2024-09-23. Review status: criteria provided, single submitter. Criteria: LabCorp Variant Classification Summary - May 2015. Collection method: clinical testing. Allele origin: germline.

Blueprint Genetics
Classification: Likely benign. Last evaluated: 2024-03-11. Review status: criteria provided, single submitter. Criteria: ACMG Guidelines, 2015. Collection method: clinical testing. Allele origin: germline.

GeneDx
Classification: Benign. Last evaluated: 2015-11-06. Review status: criteria provided, single submitter. Criteria: GeneDx Variant Classification (06012015). Collection method: clinical testing. Allele origin: germline. Affected: yes.
Comment: This variant is considered likely benign or benign based on one or more of the following criteria: it is a conservative change, it occurs at a poorly conserved position in the protein, it is predicted to be benign by multiple in silico algorithms, and/or has population frequency not consistent with disease.

Natera, Inc.
Classification: Likely benign for Becker muscular dystrophy; Cardiomyopathy; Duchenne muscular dystrophy; Dystrophin deficiency. Last evaluated: 2019-06-19. Review status: no assertion criteria provided. Collection method: clinical testing. Allele origin: germline. Not counted in ClinVar's aggregate classification.